The following is an entry in ClinVar:

ClinVar aggregate classification (germline): Uncertain significance. Review status: criteria provided, multiple submitters, no conflicts (2 of 4 stars). 2 submissions from 2 submitters: Uncertain significance (2). Last evaluated 2026-07-29.

Conditions:
Inborn genetic diseases. Identifiers: MedGen C0950123, MeSH D030342.
Spastic paraplegia. Identifiers: MedGen C0037772, HP:0001258.

Submissions (2):

Ambry Genetics
Classification: Uncertain significance for Inborn genetic diseases. Last evaluated: 2026-07-29. Review status: criteria provided, single submitter. Criteria: Ambry Variant Classification Scheme 2023. Collection method: clinical testing. Allele origin: germline.
Comment: The c.75_77delCTG (p.C25del) alteration is located in exon 1 (coding exon 1) of the FA2H gene. This alteration consists of an in-frame deletion of 3 nucleotides between nucleotide positions c.75 and c.77, resulting in the deletion of 1 residue. Based on data from gnomAD, the --- allele has an overall frequency of 0.003% (1/31178) total alleles studied. The highest observed frequency was 0.007% (1/15352) of European (non-Finnish) alleles. Based on insufficient or conflicting evidence, the clinical significance of this alteration remains unclear.

Labcorp Genetics (formerly Invitae), Labcorp
Classification: Uncertain significance for Spastic paraplegia. Last evaluated: 2024-01-08. Review status: criteria provided, single submitter. Criteria: Invitae Variant Classification Sherloc (09022015). Collection method: clinical testing. Allele origin: germline.
Comment: This variant, c.75_77del, results in the deletion of 1 amino acid(s) of the FA2H protein (p.Cys25del), but otherwise preserves the integrity of the reading frame. This variant is not present in population databases (gnomAD no frequency). This variant has been observed in individual(s) with clinical features of hereditary spastic paraplegia (Invitae). In at least one individual the data is consistent with being in trans (on the opposite chromosome) from a pathogenic variant. ClinVar contains an entry for this variant (Variation ID: 241465). Experimental studies and prediction algorithms are not available or were not evaluated, and the functional significance of this variant is currently unknown. In summary, the available evidence is currently insufficient to determine the role of this variant in disease. Therefore, it has been classified as a Variant of Uncertain Significance.

NM_024306.5(FA2H):c.75_77del (p.Cys25del)

Genes: FA2H (fatty acid 2-hydroxylase; minus strand), LOC130059394 (ATAC-STARR-seq lymphoblastoid silent region 7701; plus strand). Cytogenetic location: 16q23.1.
Variant type: Deletion.
Coding change: c.75_77del on transcript NM_024306.5 (MANE Select); coding-DNA positions 75 to 77, 3 bases deleted (CTG; older notation c.75_77delCTG).
Protein change: p.Cys25del; deletes cysteine 25.
Molecular consequence: inframe deletion.
Genome position (GRCh38, 1-based): chr16:74,774,679-74,774,681, CAG deleted on the plus strand (CTG on the coding strand, the reverse complement: FA2H is on the minus strand); deleting any 3 consecutive bases within chr16:74,774,679-74,774,683 gives the same sequence; the c. name uses the placement nearest the transcript's 3' end. VCF-style (leftmost placement, unchanged base first): chr16-74774678-CCAG-C. GRCh37 (hg19) VCF-style: chr16-74808576-CCAG-C.
Other names: short protein forms C25del.
Identifiers: ClinVar variation 241465 (VCV000241465.8), dbSNP rs878855082, ClinGen allele CA10583428.
Genomic context (GRCh38, chr16:74,774,678, plus strand): 5'-GCCCCCCGGGTGGTGCCGCACGAAGCTGGAGAGGTCGTAGAGGCGGGCCCCGCGGCGGAC[CCAG>C]CACGCGCCGGCCGCCAGGCGCCGCTGGACCTCGGAGGGCGAGAAGGAGGCGGCGGGGGGC-3'